The following is an entry in ClinVar:

NM_000350.3(ABCA4):c.1898A>G (p.Tyr633Cys)

Gene: ABCA4 (ATP binding cassette subfamily A member 4; minus strand). Cytogenetic location: 1p22.1.
Variant type: single nucleotide variant.
Coding change: c.1898A>G on transcript NM_000350.3 (MANE Select); coding-DNA position 1898, A replaced by G.
Protein change: p.Tyr633Cys; replaces tyrosine 633 with cysteine.
Molecular consequence: missense variant.
Genome position (GRCh38, 1-based): chr1:94,062,616, T>C on the plus strand (A>G on the coding strand, the complement: ABCA4 is on the minus strand). VCF-style: chr1-94062616-T-C. GRCh37 (hg19) VCF-style: chr1-94528172-T-C.
Other names: c.1898A>G, p.Tyr633Cys (NM_001425324.1); short protein forms Y633C.
Identifiers: ClinVar variation 4745911 (VCV004745911.2).

ClinVar aggregate classification (germline): Conflicting classifications of pathogenicity. Review status: criteria provided, conflicting classifications (1 of 4 stars). 2 submissions from 2 submitters: Likely pathogenic (1); Uncertain significance (1). Last evaluated 2025-03-07.

Conditions:
ABCA4-related disorder. Also called: ABCA4-related condition; ABCA4-related disorders. Identifiers: MedGen CN239167.

Submissions (2):

Labcorp Genetics (formerly Invitae), Labcorp
Classification: Uncertain significance. Last evaluated: 2025-03-07. Review status: criteria provided, single submitter. Criteria: Invitae Variant Classification Sherloc (09022015). Collection method: clinical testing. Allele origin: germline.
Comment: This sequence change replaces tyrosine, which is neutral and polar, with cysteine, which is neutral and slightly polar, at codon 633 of the ABCA4 protein (p.Tyr633Cys). This variant is not present in population databases (gnomAD no frequency). This variant has not been reported in the literature in individuals affected with ABCA4-related conditions. Invitae Evidence Modeling of protein sequence and biophysical properties (such as structural, functional, and spatial information, amino acid conservation, physicochemical variation, residue mobility, and thermodynamic stability) indicates that this missense variant is expected to disrupt ABCA4 protein function with a positive predictive value of 95%. In summary, the available evidence is currently insufficient to determine the role of this variant in disease. Therefore, it has been classified as a Variant of Uncertain Significance.

Blueprint Genetics
Classification: Likely pathogenic for ABCA4-related disorders. Last evaluated: 2020-03-11. Review status: criteria provided, single submitter. Criteria: ACMG Guidelines, 2015. Collection method: clinical testing. Allele origin: germline. Affected: yes. Observed: 2 variant alleles.